The following is an entry in ClinVar:

NM_139215.3(TAF15):c.1103T>C (p.Met368Thr)

Gene: TAF15 (TATA-box binding protein associated factor 15; plus strand). Cytogenetic location: 17q12.
Variant type: single nucleotide variant.
Coding change: c.1103T>C on transcript NM_139215.3 (MANE Select); coding-DNA position 1103, T replaced by C.
Protein change: p.Met368Thr; replaces methionine 368 with threonine.
Molecular consequence: missense variant.
Genome position (GRCh38, 1-based): chr17:35,844,294, T>C. VCF-style: chr17-35844294-T-C. GRCh37 (hg19) VCF-style: chr17-34171298-T-C.
Other names: p.Met368Thr; c.1094T>C, p.Met365Thr (NM_003487.4); short protein forms M365T, M368T.
Identifiers: ClinVar variation 4542148 (VCV004542148.1).

ClinVar aggregate classification (germline): Uncertain significance (1 of 4 stars; one submission).

Submission:

Mayo Clinic Laboratories, Mayo Clinic
Classification: Uncertain significance. Last evaluated: 2025-10-08. Review status: criteria provided, single submitter. Criteria: ACMG Guidelines, 2015. Collection method: clinical testing. Allele origin: germline. Observed: 1 variant allele.
Comment: BP4

Literature cited by the submitters: PubMed 22065782; PubMed 22919483; PubMed 25299611; PubMed 28762175; PubMed 36411469.